The following is an entry in ClinVar:

ClinVar aggregate classification (germline): Uncertain significance. Review status: criteria provided, multiple submitters, no conflicts (2 of 4 stars). 2 submissions from 2 submitters: Uncertain significance (2). Last evaluated 2023-09-30.

Conditions:
Hereditary cancer-predisposing syndrome. Also called: Hereditary Cancer Syndrome; Neoplastic Syndromes, Hereditary; Tumor predisposition; Hereditary neoplastic syndrome. Identifiers: Orphanet 140162, MedGen C0027672, MeSH D009386, MONDO:0015356.
Familial cancer of breast. Also called: BREAST CANCER, FAMILIAL; Hereditary breast cancer; hereditary breast carcinoma. Identifiers: Orphanet 227535, MedGen C0346153, MONDO:0016419, OMIM 114480. Disease mechanism: loss of function.

Submissions (2):

Ambry Genetics
Classification: Uncertain significance for Hereditary cancer-predisposing syndrome. Last evaluated: 2023-09-30. Review status: criteria provided, single submitter. Criteria: Ambry Variant Classification Scheme 2023. Collection method: clinical testing. Allele origin: germline.
Comment: The p.E223D variant (also known as c.669A>T), located in coding exon 4 of the BARD1 gene, results from an A to T substitution at nucleotide position 669. The glutamic acid at codon 223 is replaced by aspartic acid, an amino acid with highly similar properties. This amino acid position is poorly conserved in available vertebrate species. In addition, this alteration is predicted to be tolerated by in silico analysis. Since supporting evidence is limited at this time, the clinical significance of this alteration remains unclear.

Labcorp Genetics (formerly Invitae), Labcorp
Classification: Uncertain significance for Familial cancer of breast. Last evaluated: 2022-11-09. Review status: criteria provided, single submitter. Criteria: Invitae Variant Classification Sherloc (09022015). Collection method: clinical testing. Allele origin: germline.
Comment: This sequence change replaces glutamic acid, which is acidic and polar, with aspartic acid, which is acidic and polar, at codon 223 of the BARD1 protein (p.Glu223Asp). This variant is not present in population databases (gnomAD no frequency). This variant has not been reported in the literature in individuals affected with BARD1-related conditions. ClinVar contains an entry for this variant (Variation ID: 481381). Algorithms developed to predict the effect of missense changes on protein structure and function output the following: SIFT: "Tolerated"; PolyPhen-2: "Benign"; Align-GVGD: "Class C0". The aspartic acid amino acid residue is found in multiple mammalian species, which suggests that this missense change does not adversely affect protein function. In summary, the available evidence is currently insufficient to determine the role of this variant in disease. Therefore, it has been classified as a Variant of Uncertain Significance.

NM_000465.4(BARD1):c.669A>T (p.Glu223Asp)

Gene: BARD1 (BRCA1 associated RING domain 1; minus strand). Cytogenetic location: 2q35.
Variant type: single nucleotide variant.
Coding change: c.669A>T on transcript NM_000465.4 (MANE Select); coding-DNA position 669, A replaced by T.
Protein change: p.Glu223Asp; replaces glutamic acid 223 with aspartic acid.
Molecular consequence: missense variant. On other transcripts: non-coding transcript variant (2), intron variant (3).
Genome position (GRCh38, 1-based): chr2:214,781,205, T>A on the plus strand (A>T on the coding strand, the complement: BARD1 is on the minus strand). VCF-style: chr2-214781205-T-A. GRCh37 (hg19) VCF-style: chr2-215645929-T-A.
Other names: c.612A>T, p.Glu204Asp (NM_001282543.2); c.158+28207A>T (NM_001282548.2); c.215+15856A>T (NM_001282545.2); c.364+11092A>T (NM_001282549.2); short protein forms E223D, E204D.
Identifiers: ClinVar variation 481381 (VCV000481381.17), dbSNP rs786201963, ClinGen allele CA350456496.
Genomic context (GRCh38, chr2:214,781,205, plus strand): 5'-ACAGAAGGATACCAGCTTTTGCTTAGATTCCTCTTTGGAGTCAAATTCACCATCTTCTTT[T>A]TCTGCCTCTAAATTCCATTTTTGGTTGATTTCAGCTAAAGTTTTCTTTTTTTGCTTTTTT-3'
Protein context (NP_000456.2, residues 213-233): EINQKWNLEA[Glu223Asp]KEDGEFDSKE